The following is an entry in ClinVar:

ClinVar aggregate classification (germline): Uncertain significance (1 of 4 stars; one submission).

Allele frequency attached by ClinVar (database versions not stated): gnomAD 0.00001; gnomAD exomes 0.00002 and 0.00004; ExAC 0.00004.

Submission:

Labcorp Genetics (formerly Invitae), Labcorp
Classification: Uncertain significance. Last evaluated: 2022-07-12. Review status: criteria provided, single submitter. Criteria: Invitae Variant Classification Sherloc (09022015). Collection method: clinical testing. Allele origin: germline.
Comment: This sequence change replaces alanine, which is neutral and non-polar, with valine, which is neutral and non-polar, at codon 1520 of the WDR62 protein (p.Ala1520Val). This variant is present in population databases (rs779046984, gnomAD 0.02%). This variant has not been reported in the literature in individuals affected with WDR62-related conditions. ClinVar contains an entry for this variant (Variation ID: 1494450). Algorithms developed to predict the effect of missense changes on protein structure and function output the following: SIFT: "Tolerated"; PolyPhen-2: "Benign"; Align-GVGD: "Class C0". The valine amino acid residue is found in multiple mammalian species, which suggests that this missense change does not adversely affect protein function. Algorithms developed to predict the effect of sequence changes on RNA splicing suggest that this variant may create or strengthen a splice site. In summary, the available evidence is currently insufficient to determine the role of this variant in disease. Therefore, it has been classified as a Variant of Uncertain Significance.

NM_001083961.2(WDR62):c.4559C>T (p.Ala1520Val)

Gene: WDR62 (WD repeat domain 62; plus strand). Cytogenetic location: 19q13.12.
Variant type: single nucleotide variant.
Coding change: c.4559C>T on transcript NM_001083961.2 (MANE Select); coding-DNA position 4559, C replaced by T.
Protein change: p.Ala1520Val; replaces alanine 1520 with valine.
Molecular consequence: missense variant.
Genome position (GRCh38, 1-based): chr19:36,105,015, C>T. VCF-style: chr19-36105015-C-T. GRCh37 (hg19) VCF-style: chr19-36595917-C-T.
Other names: c.4544C>T, p.Ala1515Val (NM_173636.5); short protein forms A1520V, A1515V.
Identifiers: ClinVar variation 1494450 (VCV001494450.3), dbSNP rs779046984, ClinGen allele CA9396606.